The following is an entry in ClinVar:

ClinVar aggregate classification (germline): Uncertain significance (1 of 4 stars; one submission).

Conditions:
Familial cold autoinflammatory syndrome 2 (FCAS2). Identifiers: Orphanet 247868, MedGen C2673198, MONDO:0012724, OMIM 611762.

Submission:

Labcorp Genetics (formerly Invitae), Labcorp
Classification: Uncertain significance for Familial cold autoinflammatory syndrome 2. Last evaluated: 2024-01-06. Review status: criteria provided, single submitter. Criteria: Invitae Variant Classification Sherloc (09022015). Collection method: clinical testing. Allele origin: germline.
Comment: This variant is a gross deletion of the genomic region encompassing exon(s) 4 of the NLRP12 gene. This variant would be expected to be in-frame, preserving the integrity of the reading frame. This variant has not been reported in the literature in individuals affected with NLRP12-related conditions. Experimental studies and prediction algorithms are not available or were not evaluated, and the functional significance of this variant is currently unknown. In summary, the available evidence is currently insufficient to determine the role of this variant in disease. Therefore, it has been classified as a Variant of Uncertain Significance.

NC_000019.9:g.(?_54310729)_(54310939_?)del

Gene: NLRP12 (NLR family pyrin domain containing 12; minus strand). Cytogenetic location: 19q13.42.
Variant type: Deletion.
Identifiers: ClinVar variation 1064363 (VCV001064363.6).